The following is an entry in ClinVar:

ClinVar aggregate classification (germline): Uncertain significance (1 of 4 stars; one submission).

Conditions:
Agammaglobulinemia 4, autosomal recessive (AGM4). Also called: AGAMMAGLOBULINEMIA, AUTOSOMAL RECESSIVE, DUE TO BLNK DEFECT; B cell linker protein deficiency. Identifiers: MedGen C3150752, MONDO:0013289, OMIM 613502.

Submission:

Labcorp Genetics (formerly Invitae), Labcorp
Classification: Uncertain significance for Agammaglobulinemia 4, autosomal recessive. Last evaluated: 2022-06-20. Review status: criteria provided, single submitter. Criteria: Invitae Variant Classification Sherloc (09022015). Collection method: clinical testing. Allele origin: germline.
Comment: In summary, the available evidence is currently insufficient to determine the role of this variant in disease. Therefore, it has been classified as a Variant of Uncertain Significance. Algorithms developed to predict the effect of missense changes on protein structure and function are either unavailable or do not agree on the potential impact of this missense change (SIFT: "Deleterious"; PolyPhen-2: "Probably Damaging"; Align-GVGD: "Class C0"). This variant has not been reported in the literature in individuals affected with BLNK-related conditions. This variant is not present in population databases (gnomAD no frequency). This sequence change replaces aspartic acid, which is acidic and polar, with glycine, which is neutral and non-polar, at codon 438 of the BLNK protein (p.Asp438Gly).

NM_013314.4(BLNK):c.1313A>G (p.Asp438Gly)

Genes: BLNK (B cell linker; minus strand), ZNF518A (zinc finger protein 518A; plus strand). Cytogenetic location: 10q24.1.
Variant type: single nucleotide variant.
Coding change: c.1313A>G on transcript NM_013314.4 (MANE Select); coding-DNA position 1313, A replaced by G.
Protein change: p.Asp438Gly; replaces aspartic acid 438 with glycine.
Molecular consequence: missense variant. On other transcripts: non-coding transcript variant (4).
Genome position (GRCh38, 1-based): chr10:96,192,031, T>C on the plus strand (A>G on the coding strand, the complement: BLNK is on the minus strand). VCF-style: chr10-96192031-T-C. GRCh37 (hg19) VCF-style: chr10-97951787-T-C.
Other names: c.1244A>G, p.Asp415Gly (NM_001114094.2); c.1157A>G, p.Asp386Gly (NM_001258440.2); c.1088A>G, p.Asp363Gly (NM_001258441.2); c.842A>G, p.Asp281Gly (NM_001258442.2); short protein forms D363G, D386G, D415G, D281G, D438G.
Identifiers: ClinVar variation 1478872 (VCV001478872.8), dbSNP rs2133908110, ClinGen allele CA377715094.
Genomic context (GRCh38, chr10:96,192,031, plus strand): 5'-CTTTATGAAACTTTAACTGCATACTTCAGTCTGGTGGAATCTTTTGTGTTATTCTGACTG[T>C]CAATAAGAACCAAAGGACTATGTTGATGATTCCTGATGATTTCAGCAACACTTCCAAAGT-3'
Protein context (NP_037446.1, residues 428-448): NHQHSPLVLI[Asp438Gly]SQNNTKDSTR